The following is an entry in ClinVar:

NM_024079.5(ALG8):c.1168C>A (p.Leu390Ile)

Gene: ALG8 (ALG8 alpha-1,3-glucosyltransferase; minus strand). Cytogenetic location: 11q14.1.
Variant type: single nucleotide variant.
Coding change: c.1168C>A on transcript NM_024079.5 (MANE Select); coding-DNA position 1168, C replaced by A.
Protein change: p.Leu390Ile; replaces leucine 390 with isoleucine.
Molecular consequence: missense variant.
Genome position (GRCh38, 1-based): chr11:78,106,817, G>T on the plus strand (C>A on the coding strand, the complement: ALG8 is on the minus strand). VCF-style: chr11-78106817-G-T. GRCh37 (hg19) VCF-style: chr11-77817863-G-T.
Other names: c.1168C>A, p.Leu390Ile (NM_001007027.3); c.1168C>A (NM_024079.4); short protein forms L390I.
Identifiers: ClinVar variation 2065980 (VCV002065980.6), dbSNP rs372626745, ClinGen allele CA6203207.

ClinVar aggregate classification (germline): Uncertain significance. Review status: criteria provided, multiple submitters, no conflicts (2 of 4 stars). 3 submissions from 3 submitters: Uncertain significance (3). Last evaluated 2025-06-12.

Conditions:
ALG8 congenital disorder of glycosylation. Also called: CDG Ih; CONGENITAL DISORDER OF GLYCOSYLATION, TYPE Ih; ALG8-CDG. Identifiers: Orphanet 79325, MedGen C2931002, MONDO:0011969, OMIM 608104.
Polycystic liver disease 3 with or without kidney cysts. Identifiers: MedGen C4693472, MONDO:0054743, OMIM 617874.
Inborn genetic diseases. Identifiers: MedGen C0950123, MeSH D030342.

Allele frequency attached by ClinVar (database versions not stated): gnomAD exomes 0.00001; ExAC 0.00004; ESP Exome Variant Server 0.00008; TOPMed 0.00012; gnomAD 0.00015.
gnomAD v4.1: 45 of 1,613,920 alleles (0.0028%); highest among the groups gnomAD compares: African/African-American, 0.051%; no homozygotes.

Submissions (3):

Labcorp Genetics (formerly Invitae), Labcorp
Classification: Uncertain significance for ALG8 congenital disorder of glycosylation. Last evaluated: 2025-06-12. Review status: criteria provided, single submitter. Criteria: Invitae Variant Classification Sherloc (09022015). Collection method: clinical testing. Allele origin: germline.
Comment: This sequence change replaces leucine, which is neutral and non-polar, with isoleucine, which is neutral and non-polar, at codon 390 of the ALG8 protein (p.Leu390Ile). This variant is present in population databases (rs372626745, gnomAD 0.05%). This variant has not been reported in the literature in individuals affected with ALG8-related conditions. ClinVar contains an entry for this variant (Variation ID: 2065980). Invitae Evidence Modeling of protein sequence and biophysical properties (such as structural, functional, and spatial information, amino acid conservation, physicochemical variation, residue mobility, and thermodynamic stability) indicates that this missense variant is not expected to disrupt ALG8 protein function with a negative predictive value of 80%. In summary, the available evidence is currently insufficient to determine the role of this variant in disease. Therefore, it has been classified as a Variant of Uncertain Significance.

Ambry Genetics
Classification: Uncertain significance for Inborn genetic diseases. Last evaluated: 2024-08-28. Review status: criteria provided, single submitter. Criteria: Ambry Variant Classification Scheme 2023. Collection method: clinical testing. Allele origin: germline.

Fulgent Genetics
Classification: Uncertain significance for ALG8 congenital disorder of glycosylation; Polycystic liver disease 3 with or without kidney cysts. Last evaluated: 2024-05-10. Review status: criteria provided, single submitter. Criteria: ACMG Guidelines, 2015. Collection method: clinical testing. Allele origin: germline.